The following is an entry in ClinVar:

ClinVar aggregate classification (germline): Likely benign (1 of 4 stars; one submission).

Conditions:
Catecholaminergic polymorphic ventricular tachycardia (CVPT). Also called: Catecholamine-induced polymorphic ventricular tachycardia. Identifiers: Orphanet 3286, MedGen C5574922, MONDO:0017990.

Submission:

All of Us Research Program, National Institutes of Health
Classification: Likely benign for Catecholaminergic polymorphic ventricular tachycardia. Last evaluated: 2023-12-13. Review status: criteria provided, single submitter. Criteria: ACMG Guidelines, 2015. Collection method: clinical testing. Allele origin: germline. Inheritance: Autosomal dominant inheritance. Observed: 1 variant allele, 1 heterozygote.
Comment: This study involves interpretation of variants in research participants for the purpose of population health screening. Participant phenotype was not available at the time of variant classification. Additional details can be found in publication PMID: 35346344, PMCID: PMC8962531

NM_001035.3(RYR2):c.720C>T (p.His240=)

Gene: RYR2 (ryanodine receptor 2; plus strand). Cytogenetic location: 1q43.
Variant type: single nucleotide variant.
Coding change: c.720C>T on transcript NM_001035.3 (MANE Select); coding-DNA position 720, C replaced by T.
Protein change: p.His240=; no amino-acid change (histidine 240 retained).
Molecular consequence: synonymous variant.
Genome position (GRCh38, 1-based): chr1:237,388,130, C>T. VCF-style: chr1-237388130-C-T. GRCh37 (hg19) VCF-style: chr1-237551430-C-T.
Identifiers: ClinVar variation 3074882 (VCV003074882.1), dbSNP rs2530218358, ClinGen allele CA423809429.